The following is an entry in ClinVar:

NM_182641.4(BPTF):c.4832A>G (p.Gln1611Arg)

Gene: BPTF (bromodomain PHD finger transcription factor; plus strand). Cytogenetic location: 17q24.2.
Variant type: single nucleotide variant.
Coding change: c.4832A>G on transcript NM_182641.4 (MANE Select); coding-DNA position 4832, A replaced by G.
Protein change: p.Gln1611Arg; replaces glutamine 1611 with arginine.
Molecular consequence: missense variant.
Genome position (GRCh38, 1-based): chr17:67,912,716, A>G. VCF-style: chr17-67912716-A-G. GRCh37 (hg19) VCF-style: chr17-65908832-A-G.
Other names: c.5210A>G, p.Gln1737Arg (NM_004459.7); short protein forms Q1737R, Q1611R.
Identifiers: ClinVar variation 1977172 (VCV001977172.5), dbSNP rs1017102720, ClinGen allele CA293264319.

ClinVar aggregate classification (germline): Uncertain significance (1 of 4 stars; one submission).

Submission:

Labcorp Genetics (formerly Invitae), Labcorp
Classification: Uncertain significance. Last evaluated: 2022-08-10. Review status: criteria provided, single submitter. Criteria: Invitae Variant Classification Sherloc (09022015). Collection method: clinical testing. Allele origin: germline.
Comment: This sequence change replaces glutamine, which is neutral and polar, with arginine, which is basic and polar, at codon 1737 of the BPTF protein (p.Gln1737Arg). This variant is not present in population databases (gnomAD no frequency). This variant has not been reported in the literature in individuals affected with BPTF-related conditions. Algorithms developed to predict the effect of missense changes on protein structure and function (SIFT, PolyPhen-2, Align-GVGD) all suggest that this variant is likely to be tolerated. In summary, the available evidence is currently insufficient to determine the role of this variant in disease. Therefore, it has been classified as a Variant of Uncertain Significance.